The following is an entry in ClinVar:

ClinVar aggregate classification (germline): Pathogenic (1 of 4 stars; one submission).

Submission:

Labcorp Genetics (formerly Invitae), Labcorp
Classification: Pathogenic. Last evaluated: 2025-06-12. Review status: criteria provided, single submitter. Criteria: Invitae Variant Classification Sherloc (09022015). Collection method: clinical testing. Allele origin: germline.
Comment: This sequence change creates a premature translational stop signal (p.Val958Serfs*6) in the PLCE1 gene. It is expected to result in an absent or disrupted protein product. Loss-of-function variants in PLCE1 are known to be pathogenic (PMID: 17086182, 20591883). This variant is present in population databases (no rsID available, gnomAD 0.01%). This variant has not been reported in the literature in individuals affected with PLCE1-related conditions. For these reasons, this variant has been classified as Pathogenic.

Literature cited by the submitters: PubMed 17086182; PubMed 20591883.

NM_016341.4(PLCE1):c.2872_2873del (p.Val958fs)

Gene: PLCE1 (phospholipase C epsilon 1; plus strand). Cytogenetic location: 10q23.33.
Variant type: Microsatellite.
Coding change: c.2872_2873del on transcript NM_016341.4 (MANE Select); coding-DNA positions 2872 to 2873, 2 bases deleted (GT; older notation c.2872_2873delGT).
Protein change: p.Val958fs; shifts the reading frame from valine 958.
Molecular consequence: frameshift variant.
Genome position (GRCh38, 1-based): chr10:94,246,397-94,246,398, GT deleted; deleting any 2 consecutive bases within chr10:94,246,390-94,246,398 gives the same sequence; the c. name uses the placement nearest the transcript's 3' end. VCF-style (leftmost placement, unchanged base first): chr10-94246389-CTG-C. GRCh37 (hg19) VCF-style: chr10-96006146-CTG-C.
Other names: c.1948_1949del, p.Val650fs (NM_001165979.2); c.2872_2873del, p.Val958fs (NM_001288989.2); short protein forms V650fs, V958fs.
Identifiers: ClinVar variation 3700247 (VCV003700247.2).